The following is an entry in ClinVar:

ClinVar aggregate classification (germline): Uncertain significance (1 of 4 stars; one submission).

Submission:

Labcorp Genetics (formerly Invitae), Labcorp
Classification: Uncertain significance. Last evaluated: 2021-12-19. Review status: criteria provided, single submitter. Criteria: Invitae Variant Classification Sherloc (09022015). Collection method: clinical testing. Allele origin: germline.
Comment: This variant has not been reported in the literature in individuals affected with FCHO1-related conditions. This variant is not present in population databases (gnomAD no frequency). This sequence change replaces serine, which is neutral and polar, with phenylalanine, which is neutral and non-polar, at codon 583 of the FCHO1 protein (p.Ser583Phe). Algorithms developed to predict the effect of missense changes on protein structure and function are either unavailable or do not agree on the potential impact of this missense change (SIFT: "Deleterious"; PolyPhen-2: "Probably Damaging"; Align-GVGD: "Class C0"). In summary, the available evidence is currently insufficient to determine the role of this variant in disease. Therefore, it has been classified as a Variant of Uncertain Significance.

NM_015122.3(FCHO1):c.1748C>T (p.Ser583Phe)

Gene: FCHO1 (FCH and mu domain containing endocytic adaptor 1; plus strand). Cytogenetic location: 19p13.11.
Variant type: single nucleotide variant.
Coding change: c.1748C>T on transcript NM_015122.3 (MANE Select); coding-DNA position 1748, C replaced by T.
Protein change: p.Ser583Phe; replaces serine 583 with phenylalanine.
Molecular consequence: missense variant. On other transcripts: non-coding transcript variant (36).
Genome position (GRCh38, 1-based): chr19:17,781,459, C>T. VCF-style: chr19-17781459-C-T. GRCh37 (hg19) VCF-style: chr19-17892268-C-T.
Other names: c.1748C>T, p.Ser583Phe (NM_001384378.1, NM_001384379.1, NM_001384380.1 and 13 more transcripts); c.1598C>T, p.Ser533Phe (NM_001384384.1, NM_001384385.1, NM_001384386.1 and 1 more transcripts); c.1709C>T, p.Ser570Phe (NM_001384388.1, NM_001384389.1, NM_001384405.1); c.1472C>T, p.Ser491Phe (NM_001384399.1, NM_001384400.1, NM_001384401.1 and 5 more transcripts); c.1427C>T, p.Ser476Phe (NM_001384403.1); c.1322C>T, p.Ser441Phe (NM_001384406.1); c.1178C>T, p.Ser393Phe (NM_001384407.1); c.1673C>T, p.Ser558Phe (NM_001384390.1); and 1 more; short protein forms S393F, S570F, S533F, S441F, S476F, S544F, S583F, S491F.
Identifiers: ClinVar variation 2047746 (VCV002047746.4), dbSNP rs2514058456, ClinGen allele CA404754771.